The following is an entry in ClinVar:

NM_000387.6(SLC25A20):c.729del (p.Lys244fs)

Gene: SLC25A20 (solute carrier family 25 member 20; minus strand). Cytogenetic location: 3p21.31.
Variant type: Deletion.
Coding change: c.729del on transcript NM_000387.6 (MANE Select); coding-DNA position 729, one base deleted (G; older notation c.729delG).
Protein change: p.Lys244fs; shifts the reading frame from lysine 244.
Molecular consequence: frameshift variant.
Genome position (GRCh38, 1-based): chr3:48,858,621, C deleted on the plus strand (G on the coding strand, the reverse complement: SLC25A20 is on the minus strand); the first of 3 consecutive C bases (chr3:48,858,621-48,858,623); deleting any one gives the same sequence. VCF-style (leftmost placement, unchanged base first): chr3-48858620-TC-T. GRCh37 (hg19) VCF-style: chr3-48896053-TC-T.
Other names: short protein forms K244fs.
Identifiers: ClinVar variation 2787313 (VCV002787313.3), dbSNP rs2471003978, ClinGen allele CA2739278959.

ClinVar aggregate classification (germline): Pathogenic (1 of 4 stars; one submission).

Conditions:
Carnitine acylcarnitine translocase deficiency (CACTD). Identifiers: Orphanet 159, MedGen C0342791, MONDO:0008918, OMIM 212138.

Submission:

Labcorp Genetics (formerly Invitae), Labcorp
Classification: Pathogenic for Carnitine acylcarnitine translocase deficiency. Last evaluated: 2025-03-31. Review status: criteria provided, single submitter. Criteria: Invitae Variant Classification Sherloc (09022015). Collection method: clinical testing. Allele origin: germline.
Comment: This sequence change creates a premature translational stop signal (p.Lys244Asnfs*10) in the SLC25A20 gene. It is expected to result in an absent or disrupted protein product. Loss-of-function variants in SLC25A20 are known to be pathogenic (PMID: 25614308). This variant is not present in population databases (gnomAD no frequency). This variant has not been reported in the literature in individuals affected with SLC25A20-related conditions. ClinVar contains an entry for this variant (Variation ID: 2787313). For these reasons, this variant has been classified as Pathogenic.

Literature cited by the submitters: PubMed 25614308.